The following is an entry in ClinVar:

ClinVar aggregate classification (germline): Uncertain significance (1 of 4 stars; one submission).

Conditions:
PLXNA4-related disorder. Also called: PLXNA4-related condition.

Allele frequency attached by ClinVar (database versions not stated): ESP Exome Variant Server 0.00023.
gnomAD v4.1: 255 of 1,612,930 alleles (0.016%); highest among the groups gnomAD compares: Non-Finnish European, 0.021%; 1 homozygote.

Submission:

PreventionGenetics, part of Exact Sciences
Classification: Uncertain significance for PLXNA4-related condition. Last evaluated: 2026-05-10. Review status: criteria provided, single submitter. Criteria: ACMG Guidelines, 2015. Collection method: clinical testing. Allele origin: germline.
Comment: The PLXNA4 c.3689C>A variant is predicted to result in the amino acid substitution p.Pro1230Gln. To our knowledge, this variant has not been reported in the literature. This variant is reported in 0.020% of alleles in individuals of European (Non-Finnish) descent in gnomAD. At this time, the clinical significance of this variant is uncertain due to the absence of conclusive functional and genetic evidence.

NM_020911.2(PLXNA4):c.3689C>A (p.Pro1230Gln)

Gene: PLXNA4 (plexin A4; minus strand). Cytogenetic location: 7q32.3.
Variant type: single nucleotide variant.
Coding change: c.3689C>A on transcript NM_020911.2 (MANE Select); coding-DNA position 3689, C replaced by A.
Protein change: p.Pro1230Gln; replaces proline 1230 with glutamine.
Molecular consequence: missense variant.
Genome position (GRCh38, 1-based): chr7:132,179,872, G>T on the plus strand (C>A on the coding strand, the complement: PLXNA4 is on the minus strand). VCF-style: chr7-132179872-G-T. GRCh37 (hg19) VCF-style: chr7-131864631-G-T.
Other names: c.3689C>A, p.Pro1230Gln (NM_001393897.1); short protein forms P1230Q.
Identifiers: ClinVar variation 2634868 (VCV002634868.4), dbSNP rs201499248, ClinGen allele CA4489411.